The following is an entry in ClinVar:

NM_001172509.2(SATB2):c.1320C>T (p.Ser440=)

Gene: SATB2 (SATB homeobox 2; minus strand). Cytogenetic location: 2q33.1.
Variant type: single nucleotide variant.
Coding change: c.1320C>T on transcript NM_001172509.2 (MANE Select); coding-DNA position 1320, C replaced by T.
Protein change: p.Ser440=; no amino-acid change (serine 440 retained).
Molecular consequence: synonymous variant.
Genome position (GRCh38, 1-based): chr2:199,328,764, G>A on the plus strand (C>T on the coding strand, the complement: SATB2 is on the minus strand). VCF-style: chr2-199328764-G-A. GRCh37 (hg19) VCF-style: chr2-200193487-G-A.
Other names: c.1320C>T, p.Ser440= (NM_001172517.1, NM_015265.4).
Identifiers: ClinVar variation 848678 (VCV000848678.12), dbSNP rs770384540, ClinGen allele CA2045917.

ClinVar aggregate classification (germline): Likely benign. Review status: criteria provided, single submitter (1 of 4 stars). 2 submissions from 2 submitters: Likely benign (1). 1 of the submissions does not count toward it. Last evaluated 2025-06-16.

Conditions:
SATB2-related disorder. Also called: SATB2-related condition.
Chromosome 2q32-q33 deletion syndrome (GLASS). Also called: Glass syndrome; 2q33.1 deletion syndrome. Identifiers: Orphanet 251019, MedGen C2676739, MONDO:0012864, OMIM 612313.

Allele frequency attached by ClinVar (database versions not stated): ExAC 0.00001; gnomAD 0.00001; gnomAD exomes 0.00001; TOPMed 0.00001.
gnomAD v4.1: 15 of 1,613,848 alleles (0.00093%); highest among the groups gnomAD compares: Non-Finnish European, 0.0013%; no homozygotes.

Submissions (2):

Labcorp Genetics (formerly Invitae), Labcorp
Classification: Likely benign for Chromosome 2q32-q33 deletion syndrome. Last evaluated: 2025-06-16. Review status: criteria provided, single submitter. Criteria: Invitae Variant Classification Sherloc (09022015). Collection method: clinical testing. Allele origin: germline.

PreventionGenetics, part of Exact Sciences
Classification: Likely benign for SATB2-related condition. Last evaluated: 2023-10-08. Review status: no assertion criteria provided. Collection method: clinical testing. Allele origin: germline. Not counted in ClinVar's aggregate classification.
Comment: This variant is classified as likely benign based on ACMG/AMP sequence variant interpretation guidelines (Richards et al. 2015 PMID: 25741868, with internal and published modifications).